The following is an entry in ClinVar:

ClinVar aggregate classification (germline): Benign/Likely benign. Review status: criteria provided, single submitter (1 of 4 stars). 4 submissions from 1 submitter: Benign (2); Likely benign (2). Last evaluated 2018-01-12.

Conditions:
Neonatal severe primary hyperparathyroidism. Identifiers: Orphanet 417, MedGen C1832615, MONDO:0009397, OMIM 239200.
Familial hypoparathyroidism. Also called: Familial isolated hypoparathyroidism. Identifiers: Orphanet 2238, MedGen C1832648, MONDO:0016390.
Autosomal dominant hypocalcemia 1 (HYPOC1). Also called: HYPOCALCEMIA, FAMILIAL. Identifiers: MedGen C3715128, MONDO:0011013, OMIM 601198.
Familial hypocalciuric hypercalcemia 1. Also called: Hypercalcemia, familial benign type 1. Identifiers: Orphanet 405, Orphanet 93372, MedGen C0342637, MONDO:0007791, OMIM 145980.

Allele frequency attached by ClinVar (database versions not stated): gnomAD exomes 0.00013; gnomAD 0.00020 and 0.00031; TOPMed 0.00025; 1000 Genomes Project 30x 0.00297; 1000 Genomes Project 0.00359.
gnomAD v4.1: 251 of 1,249,532 alleles (0.02%); highest among the groups gnomAD compares: East Asian, 0.35%; 1 homozygote.

Submissions (4):

Illumina Laboratory Services, Illumina
Classification: Likely benign for Autosomal dominant hypocalcemia 1. Last evaluated: 2018-01-12. Review status: criteria provided, single submitter. Criteria: ICSL Variant Classification Criteria 13 December 2019. Collection method: clinical testing. Allele origin: germline.
Comment: This variant was observed in the ICSL laboratory as part of a predisposition screen in an ostensibly healthy population. It had not been previously curated by ICSL or reported in the Human Gene Mutation Database (HGMD: prior to June 1st, 2018), and was therefore a candidate for classification through an automated scoring system. Utilizing variant allele frequency, disease prevalence and penetrance estimates, and inheritance mode, an automated score was calculated to assess if this variant is too frequent to cause the disease. Based on the score and internal cut-off values, a variant classified as likely benign is not then subjected to further curation. The score for this variant resulted in a classification of likely benign for this disease.

Illumina Laboratory Services, Illumina
Classification: Benign for Familial isolated hypoparathyroidism. Last evaluated: 2018-01-12. Review status: criteria provided, single submitter. Criteria: ICSL Variant Classification Criteria 13 December 2019. Collection method: clinical testing. Allele origin: germline.
Comment: This variant was observed in the ICSL laboratory as part of a predisposition screen in an ostensibly healthy population. It had not been previously curated by ICSL or reported in the Human Gene Mutation Database (HGMD: prior to June 1st, 2018), and was therefore a candidate for classification through an automated scoring system. Utilizing variant allele frequency, disease prevalence and penetrance estimates, and inheritance mode, an automated score was calculated to assess if this variant is too frequent to cause the disease. Based on the score and internal cut-off values, a variant classified as benign is not then subjected to further curation. The score for this variant resulted in a classification of benign for this disease.

Illumina Laboratory Services, Illumina
Classification: Likely benign for Familial hypocalciuric hypercalcemia 1. Last evaluated: 2018-01-12. Review status: criteria provided, single submitter. Criteria: ICSL Variant Classification Criteria 13 December 2019. Collection method: clinical testing. Allele origin: germline.
Comment: the same text as in the submission from Illumina Laboratory Services, Illumina above.

Illumina Laboratory Services, Illumina
Classification: Benign for Neonatal severe primary hyperparathyroidism. Last evaluated: 2018-01-12. Review status: criteria provided, single submitter. Criteria: ICSL Variant Classification Criteria 13 December 2019. Collection method: clinical testing. Allele origin: germline.
Comment: the same text as in the submission from Illumina Laboratory Services, Illumina above.

NM_000388.4(CASR):c.*87C>T

Gene: CASR (calcium sensing receptor; plus strand). Cytogenetic location: 3q21.1.
Variant type: single nucleotide variant.
Coding change: c.*87C>T on transcript NM_000388.4 (MANE Select); 87 bases downstream of the stop codon, C replaced by T.
Molecular consequence: 3 prime UTR variant.
Genome position (GRCh38, 1-based): chr3:122,285,278, C>T. VCF-style: chr3-122285278-C-T. GRCh37 (hg19) VCF-style: chr3-122004125-C-T.
Other names: c.*87C>T (NM_001178065.2).
Identifiers: ClinVar variation 342807 (VCV000342807.5), dbSNP rs202045621, ClinGen allele CA10617015.